The following is an entry in ClinVar:

ClinVar aggregate classification (germline): Likely benign (0 of 4 stars; one submission).

Conditions:
TTC8-related disorder. Also called: TTC8-related condition.

Allele frequency attached by ClinVar (database versions not stated): ExAC 0.00003; gnomAD 0.00006; TOPMed 0.00007.
gnomAD v4.1: 46 of 1,579,318 alleles (0.0029%); highest among the groups gnomAD compares: African/African-American, 0.024%; no homozygotes.

Submission:

PreventionGenetics, part of Exact Sciences
Classification: Likely benign for TTC8-related condition. Last evaluated: 2021-08-23. Review status: no assertion criteria provided. Collection method: clinical testing. Allele origin: germline.
Comment: This variant is classified as likely benign based on ACMG/AMP sequence variant interpretation guidelines (Richards et al. 2015 PMID: 25741868, with internal and published modifications).

NM_144596.4(TTC8):c.-20C>A

Gene: TTC8 (tetratricopeptide repeat domain 8; plus strand). Cytogenetic location: 14q31.3.
Variant type: single nucleotide variant.
Coding change: c.-20C>A on transcript NM_144596.4 (MANE Select); 20 bases upstream of the start codon, C replaced by A.
Molecular consequence: 5 prime UTR variant. On other transcripts: non-coding transcript variant (1).
Genome position (GRCh38, 1-based): chr14:88,824,688, C>A. VCF-style: chr14-88824688-C-A. GRCh37 (hg19) VCF-style: chr14-89291032-C-A.
Other names: c.-20C>A (NM_001288781.1, NM_001366535.2, NM_001366536.2 and 2 more transcripts); c.-582C>A (NM_001288782.1); c.-677C>A (NM_001288783.1).
Identifiers: ClinVar variation 3048459 (VCV003048459.2), dbSNP rs758744079, ClinGen allele CA7302288.